The following is an entry in ClinVar:

ClinVar aggregate classification (germline): Uncertain significance (1 of 4 stars; one submission).

Conditions:
Propionic acidemia (PROP). Also called: GLYCINEMIA, KETOTIC; HYPERGLYCINEMIA WITH KETOACIDOSIS AND LEUKOPENIA; KETOTIC HYPERGLYCINEMIA. Identifiers: Orphanet 35, MedGen C0268579, MONDO:0011628, OMIM 606054, HP:0003571.

Allele frequency attached by ClinVar (database versions not stated): TOPMed 0.00001.

Submission:

Labcorp Genetics (formerly Invitae), Labcorp
Classification: Uncertain significance for Propionic acidemia. Last evaluated: 2022-06-27. Review status: criteria provided, single submitter. Criteria: Invitae Variant Classification Sherloc (09022015). Collection method: clinical testing. Allele origin: germline.
Comment: In summary, the available evidence is currently insufficient to determine the role of this variant in disease. Therefore, it has been classified as a Variant of Uncertain Significance. Algorithms developed to predict the effect of sequence changes on RNA splicing suggest that this variant may create or strengthen a splice site. Advanced modeling of protein sequence and biophysical properties (such as structural, functional, and spatial information, amino acid conservation, physicochemical variation, residue mobility, and thermodynamic stability) performed at Invitae indicates that this missense variant is expected to disrupt PCCA protein function. This variant has not been reported in the literature in individuals affected with PCCA-related conditions. This variant is not present in population databases (gnomAD no frequency). This sequence change replaces glycine, which is neutral and non-polar, with aspartic acid, which is acidic and polar, at codon 225 of the PCCA protein (p.Gly225Asp).

NM_000282.4(PCCA):c.674G>A (p.Gly225Asp)

Gene: PCCA (propionyl-CoA carboxylase subunit alpha; plus strand). Cytogenetic location: 13q32.3.
Variant type: single nucleotide variant.
Coding change: c.674G>A on transcript NM_000282.4 (MANE Select); coding-DNA position 674, G replaced by A.
Protein change: p.Gly225Asp; replaces glycine 225 with aspartic acid.
Molecular consequence: missense variant. On other transcripts: non-coding transcript variant (5), intron variant (3).
Genome position (GRCh38, 1-based): chr13:100,257,631, G>A. VCF-style: chr13-100257631-G-A. GRCh37 (hg19) VCF-style: chr13-100909885-G-A.
Other names: c.596G>A, p.Gly199Asp (NM_001127692.3, NM_001352607.2, NM_001352608.2); c.674G>A, p.Gly225Asp (NM_001178004.2, NM_001352605.2, NM_001352606.2 and 1 more transcripts); c.-229-5098G>A (NM_001352610.2, NM_001352611.2, NM_001352612.2); short protein forms G199D, G225D.
Identifiers: ClinVar variation 1507490 (VCV001507490.8), dbSNP rs2062161647, ClinGen allele CA388694105.
Genomic context (GRCh38, chr13:100,257,631, plus strand): 5'-TGTCTAATTCTTCCCTGCTGTTAGGCTACCCTGTCATGATCAAGGCCTCAGCAGGTGGTG[G>A]TGGGAAAGGCATGCGCATTGCTTGGGATGATGAAGAGACCAGGTGAGAGGCTGTCCAAAA-3'
Protein context (NP_000273.2, residues 215-235): PVMIKASAGG[Gly225Asp]GKGMRIAWDD